The following is an entry in ClinVar:

NM_001042492.3(NF1):c.204+5G>C

Gene: NF1 (neurofibromin 1; plus strand). Cytogenetic location: 17q11.2.
Variant type: single nucleotide variant.
Coding change: c.204+5G>C on transcript NM_001042492.3 (MANE Select); 5 bases into the intron after coding-DNA position 204, G replaced by C.
Molecular consequence: intron variant.
Genome position (GRCh38, 1-based): chr17:31,156,131, G>C. VCF-style: chr17-31156131-G-C. GRCh37 (hg19) VCF-style: chr17-29483149-G-C.
Other names: c.204+5G>C (NM_000267.4, NM_001128147.3).
Identifiers: ClinVar variation 429627 (VCV000429627.6), dbSNP rs1131691499, ClinGen allele CA645369658.
Genomic context (GRCh38, chr17:31,156,131, plus strand): 5'-AGTTTTCTTTGGTTATAAGCGGCCTCACTACTATTTTAAAGAATGTTAACAATATGGTGA[G>C]TATTTGGGTTACTGTGTTTTGGGGAATTTGCTTTCTTTTCTTTTTGATTAAAAAGTTTAG-3'

ClinVar aggregate classification (germline): Conflicting classifications of pathogenicity. Review status: criteria provided, conflicting classifications (1 of 4 stars). 2 submissions from 2 submitters: Pathogenic (1); Uncertain significance (1). Last evaluated 2025-09-30.

Conditions:
Hereditary cancer-predisposing syndrome. Also called: Hereditary Cancer Syndrome; Neoplastic Syndromes, Hereditary; Hereditary neoplastic syndrome; Tumor predisposition. Identifiers: Orphanet 140162, MedGen C0027672, MeSH D009386, MONDO:0015356.
Cardiovascular phenotype. Identifiers: MedGen CN230736.

Submissions (2):

Ambry Genetics
Classification: Pathogenic for Cardiovascular phenotype; Hereditary cancer-predisposing syndrome. Last evaluated: 2025-09-30. Review status: criteria provided, single submitter. Criteria: Ambry Variant Classification Scheme 2023. Collection method: clinical testing. Allele origin: germline.
Comment: The c.204+5G>C pathogenic intronic variant results from a G to C substitution 5 nucleotides after coding exon 2 in the NF1 gene. This variant was reported in individual(s) with features consistent with Neurofibromatosis type 1 (Wimmer K et al. Hum Mutat, 2007 Jun;28:599-612; External communications). This nucleotide position is highly conserved in available vertebrate species. In silico splice site analysis predicts that this alteration may weaken the native splice donor site. RNA studies have demonstrated that this alteration results in abnormal splicing in the set of samples tested (Ambry internal data). This variant is considered to be rare based on population cohorts in the Genome Aggregation Database (gnomAD). Based on the supporting evidence, this variant is interpreted as a disease-causing mutation.

GeneDx
Classification: Uncertain significance. Last evaluated: 2022-07-25. Review status: criteria provided, single submitter. Criteria: GeneDx Variant Classification Process June 2021. Collection method: clinical testing. Allele origin: germline. Affected: yes.
Comment: In-silico analysis is inconclusive as to whether the variant alters gene splicing. In the absence of RNA/functional studies, the actual effect of this sequence change is unknown.; Not observed at significant frequency in large population cohorts (gnomAD); This variant is associated with the following publications: (PMID: 25525159, 17311297)

Literature cited by the submitters: PubMed 17311297 (cited by Ambry Genetics).